The following is an entry in ClinVar:

NM_000179.3(MSH6):c.3438+12T>C

Gene: MSH6 (mutS homolog 6; plus strand). Cytogenetic location: 2p16.3.
Variant type: single nucleotide variant.
Coding change: c.3438+12T>C on transcript NM_000179.3 (MANE Select); 12 bases into the intron after coding-DNA position 3438, T replaced by C.
Molecular consequence: intron variant.
Genome position (GRCh38, 1-based): chr2:47,803,697, T>C. VCF-style: chr2-47803697-T-C. GRCh37 (hg19) VCF-style: chr2-48030836-T-C.
Other names: c.2532+12T>C (NM_001281493.2, NM_001281494.2); c.3048+12T>C (NM_001281492.2).
Identifiers: ClinVar variation 387441 (VCV000387441.4), dbSNP rs1057522790, ClinGen allele CA16604196.

ClinVar aggregate classification (germline): Likely benign. Review status: criteria provided, multiple submitters, no conflicts (2 of 4 stars). 2 submissions from 2 submitters: Likely benign (2). Last evaluated 2023-08-07.

Conditions:
Hereditary nonpolyposis colorectal neoplasms. Identifiers: MedGen C0009405, MeSH D003123.

Submissions (2):

Labcorp Genetics (formerly Invitae), Labcorp
Classification: Likely benign for Hereditary nonpolyposis colorectal neoplasms. Last evaluated: 2023-08-07. Review status: criteria provided, single submitter. Criteria: Invitae Variant Classification Sherloc (09022015). Collection method: clinical testing. Allele origin: germline.

GeneDx
Classification: Likely benign. Last evaluated: 2016-06-30. Review status: criteria provided, single submitter. Criteria: GeneDx Variant Classification (06012015). Collection method: clinical testing. Allele origin: germline. Affected: yes.
Comment: This variant is considered likely benign or benign based on one or more of the following criteria: it is a conservative change, it occurs at a poorly conserved position in the protein, it is predicted to be benign by multiple in silico algorithms, and/or has population frequency not consistent with disease.